The following is an entry in ClinVar:

NM_001754.5(RUNX1):c.*2886T>C

Gene: RUNX1 (RUNX family transcription factor 1; minus strand). Cytogenetic location: 21q22.12.
Variant type: single nucleotide variant.
Coding change: c.*2886T>C on transcript NM_001754.5 (MANE Select); 2886 bases downstream of the stop codon, T replaced by C.
Molecular consequence: 3 prime UTR variant.
Genome position (GRCh38, 1-based): chr21:34,789,249, A>G on the plus strand (T>C on the coding strand, the complement: RUNX1 is on the minus strand). VCF-style: chr21-34789249-A-G. GRCh37 (hg19) VCF-style: chr21-36161546-A-G.
Other names: c.*2886T>C (NM_001001890.3, NM_001754.4).
Identifiers: ClinVar variation 339817 (VCV000339817.6), dbSNP rs140071395, ClinGen allele CA10644616.
Genomic context (GRCh38, chr21:34,789,249, plus strand): 5'-AGGGGGAAGAACTGGACCTTCTTGTGTTCTGAAATTTGGTACTGGGTGGGGGTATGTGCT[A>G]TCTGCTTAAGAGAACACAGGAAAAGGAGGAGGGAGAAAGTGGGGTTTGGAAGATAGAGGA-3'

ClinVar aggregate classification (germline): Benign. Review status: reviewed by expert panel (3 of 4 stars). 2 submissions from 2 submitters: Benign (1). 1 of the submissions does not count toward it. Last evaluated 2020-05-13.

Conditions:
Hereditary thrombocytopenia and hematologic cancer predisposition syndrome. Identifiers: Orphanet 71290, MedGen CN281654, MONDO:0011071.
Hereditary thrombocytopenia and hematological cancer predisposition syndrome associated with RUNX1. Also called: PLATELET DISORDER, ASPIRIN-LIKE; RUNX1 Familial Platelet Disorder with Associated Myeloid Malignancies; Familial Platelet Disorder with Propensity to Acute Myelogenous Leukemia; Familial thrombocytopenia with propensity to acute myelogenous leukemia. Identifiers: Orphanet 71290, MedGen C1832388, MeSH C563324, MONDO:0100083, OMIM 601399.

Allele frequency attached by ClinVar (database versions not stated): gnomAD 0.00390 and 0.00365; gnomAD exomes 0.00469; 1000 Genomes Project 30x 0.00234; 1000 Genomes Project 0.00280; TOPMed 0.00380.
gnomAD v4.1: 951 of 233,422 alleles (0.41%); highest among the groups gnomAD compares: Middle Eastern, 1%; 2 homozygotes.

Submissions (2):

ClinGen Myeloid Malignancy Variant Curation Expert Panel
Classification: Benign for Hereditary thrombocytopenia and hematologic cancer predisposition syndrome. Last evaluated: 2020-05-13. Review status: reviewed by expert panel. Criteria: ClinGen MyeloMalig ACMG Specifications v1. Collection method: curation. Allele origin: germline. Inheritance: Autosomal dominant inheritance.
Comment: The c.*2886T>C variant in the 3' UTR has an MAF of 0.006523 (0.6%, 421/64542 alleles) in the non-Finnish European subpopulation of the gnomAD v3 cohort and is >= 0.0015 (0.15%) (BA1). This variant is detected in a homozygous state in 2 individuals in the gnomAD v3 population database (BP2). In summary, this variant meets criteria to be classified as benign. ACMG/AMP criteria applied, as specified by the Myeloid Malignancy Variant Curation Expert Panel for RUNX1: BA1, BP2.

Illumina Laboratory Services, Illumina
Classification: Benign for Hereditary thrombocytopenia and hematological cancer predisposition syndrome associated with RUNX1. Last evaluated: 2018-01-13. Review status: criteria provided, single submitter. Criteria: ICSL Variant Classification Criteria 13 December 2019. Collection method: clinical testing. Allele origin: germline. Not counted in ClinVar's aggregate classification.
Comment: This variant was observed in the ICSL laboratory as part of a predisposition screen in an ostensibly healthy population. It had not been previously curated by ICSL or reported in the Human Gene Mutation Database (HGMD: prior to June 1st, 2018), and was therefore a candidate for classification through an automated scoring system. Utilizing variant allele frequency, disease prevalence and penetrance estimates, and inheritance mode, an automated score was calculated to assess if this variant is too frequent to cause the disease. Based on the score and internal cut-off values, a variant classified as benign is not then subjected to further curation. The score for this variant resulted in a classification of benign for this disease.